The following is an entry in ClinVar:

ClinVar aggregate classification (germline): Uncertain significance (1 of 4 stars; one submission).

Allele frequency attached by ClinVar (database versions not stated): TOPMed 0.00003; gnomAD 0.00002.
gnomAD v4.1: 7 of 738,414 alleles (0.00095%); highest among the groups gnomAD compares: East Asian, 0.08%; no homozygotes.

Submission:

Ambry Genetics
Classification: Uncertain significance. Last evaluated: 2025-10-07. Review status: criteria provided, single submitter. Criteria: Ambry Variant Classification Scheme 2023. Collection method: clinical testing. Allele origin: germline.
Comment: The c.53C>T (p.P18L) alteration is located in exon (coding exon ) of the MMP24 gene. This alteration results from a C to T substitution at nucleotide position 53, causing the proline (P) at amino acid position 18 to be replaced by a leucine (L). Based on insufficient or conflicting evidence, the clinical significance of this alteration remains unclear.

NM_006690.4(MMP24):c.53C>T (p.Pro18Leu)

Genes: MMP24 (matrix metallopeptidase 24; plus strand), MMP24-AS1-EDEM2 (MMP24-AS1-EDEM2 readthrough; minus strand). Cytogenetic location: 20q11.22.
Variant type: single nucleotide variant.
Coding change: c.53C>T on transcript NM_006690.4 (MANE Select); coding-DNA position 53, C replaced by T.
Protein change: p.Pro18Leu; replaces proline 18 with leucine.
Molecular consequence: missense variant. On other transcripts: intron variant (1).
Genome position (GRCh38, 1-based): chr20:35,226,791, C>T. VCF-style: chr20-35226791-C-T. GRCh37 (hg19) VCF-style: chr20-33814594-C-T.
Other names: c.-351-8730G>A (NM_001355008.2); short protein forms P18L.
Identifiers: ClinVar variation 2613834 (VCV002613834.3), dbSNP rs1300540815, ClinGen allele CA408706485.
Genomic context (GRCh38, chr20:35,226,791, plus strand): 5'-CCGCCGGGATGCCGAGGAGCCGGGGCGGCCGCGCCGCGCCGGGGCCGCCGCCGCCGCCGC[C>T]GCCGCCGGGCCAGGCCCCGCGCTGGAGCCGCTGGCGGGTCCCTGGGCGGCTGCTGCTGCT-3'
Protein context (NP_006681.1, residues 8-28): RAAPGPPPPP[Pro18Leu]PPGQAPRWSR